The following is an entry in ClinVar:

NM_007294.4(BRCA1):c.1844_1845insG (p.Ser616fs)

Gene: BRCA1 (BRCA1 DNA repair associated; minus strand). Cytogenetic location: 17q21.31.
Variant type: Insertion.
Coding change: c.1844_1845insG on transcript NM_007294.4 (MANE Select); coding-DNA positions 1844 to 1845, G inserted.
Protein change: p.Ser616fs; shifts the reading frame from serine 616.
Molecular consequence: frameshift variant. On other transcripts: intron variant (137).
Genome position: GRCh38 VCF-style: chr17-43093686-A-AC. GRCh37 (hg19) VCF-style: chr17-41245703-A-AC.
Other names: 1963insG-ter624; c.1463_1464insG, p.Ser489fs (NM_001407963.1, NM_001407959.1, NM_001407960.1); c.1700_1701insG, p.Ser568fs (NM_001407964.1, NM_001407740.1, NM_001407741.1 and 20 more transcripts); c.1340_1341insG, p.Ser448fs (NM_001407965.1); c.956_957insG, p.Ser320fs (NM_001407966.1, NM_001407967.1); c.1703_1704insG, p.Ser569fs (NM_007297.4, NM_001407692.1, NM_001407694.1 and 29 more transcripts); c.1844_1845insG, p.Ser616fs (NM_007300.4, NM_001407581.1, NM_001407582.1 and 30 more transcripts); c.646+1057_646+1058insG (NM_001408458.1, NM_001408469.1, NM_001408453.1 and 11 more transcripts); and 41 more; short protein forms S569fs, S616fs, S504fs, S527fs, S546fs, S549fs, S568fs, S320fs.
Identifiers: ClinVar variation 266193 (VCV000266193.6), dbSNP rs886039973, ClinGen allele CA10589916.
Genomic context (GRCh38, chr17:43,093,686, plus strand): 5'-ATTAGGTGGGCTTAGATTTCTACTGACTACTAGTTCAAGCGCATGAATATGCCTGGTAGA[A>AC]GACTTCCTCCTCAGCCTATTCTTTTTAGGTGCTTTTGAATTGTGGATATTTAATTCGAGT-3'

ClinVar aggregate classification (germline): Pathogenic. Review status: reviewed by expert panel (3 of 4 stars). 2 submissions from 2 submitters: Pathogenic (1). 1 of the submissions does not count toward it. Last evaluated 2016-10-18.

Conditions:
Breast-ovarian cancer, familial, susceptibility to, 1 (BROVCA1). Also called: BRCA1 Hereditary Breast and Ovarian Cancer; OVARIAN CANCER, SUSCEPTIBILITY TO. Identifiers: Orphanet 145, MedGen C2676676, MONDO:0011450, OMIM 604370. Disease mechanism: loss of function.

Submissions (2):

Evidence-based Network for the Interpretation of Germline Mutant Alleles (ENIGMA)
Classification: Pathogenic for Breast-ovarian cancer, familial, susceptibility to, 1. Last evaluated: 2016-10-18. Review status: reviewed by expert panel. Criteria: ENIGMA BRCA1/2 Classification Criteria (2015). Collection method: curation. Allele origin: germline.
Comment: Variant allele predicted to encode a truncated non-functional protein.

Consortium of Investigators of Modifiers of BRCA1/2 (CIMBA), c/o University of Cambridge
Classification: Pathogenic for Breast-ovarian cancer, familial, susceptibility to, 1. Last evaluated: 2015-10-02. Review status: criteria provided, single submitter. Criteria: CIMBA Mutation Classification guidelines May 2016. Collection method: clinical testing. Allele origin: germline. Not counted in ClinVar's aggregate classification.